The following is an entry in ClinVar:

ClinVar aggregate classification (germline): Uncertain significance. Review status: criteria provided, multiple submitters, no conflicts (2 of 4 stars). 3 submissions from 3 submitters: Uncertain significance (3). Last evaluated 2025-08-18.

Conditions:
Hereditary cancer-predisposing syndrome. Also called: Tumor predisposition; Hereditary neoplastic syndrome; Neoplastic Syndromes, Hereditary; Hereditary Cancer Syndrome. Identifiers: Orphanet 140162, MedGen C0027672, MeSH D009386, MONDO:0015356.
Rhabdoid tumor predisposition syndrome 2 (RTPS2). Identifiers: Orphanet 231108, Orphanet 69077, MedGen C2750074, MONDO:0013224, OMIM 613325.

Submissions (3):

Labcorp Genetics (formerly Invitae), Labcorp
Classification: Uncertain significance for Rhabdoid tumor predisposition syndrome 2. Last evaluated: 2025-08-18. Review status: criteria provided, single submitter. Criteria: Invitae Variant Classification Sherloc (09022015). Collection method: clinical testing. Allele origin: germline.
Comment: This sequence change replaces arginine, which is basic and polar, with leucine, which is neutral and non-polar, at codon 13 of the SMARCA4 protein (p.Arg13Leu). This variant is not present in population databases (gnomAD no frequency). This variant has not been reported in the literature in individuals affected with SMARCA4-related conditions. ClinVar contains an entry for this variant (Variation ID: 1942941). Invitae Evidence Modeling of protein sequence and biophysical properties (such as structural, functional, and spatial information, amino acid conservation, physicochemical variation, residue mobility, and thermodynamic stability) indicates that this missense variant is not expected to disrupt SMARCA4 protein function with a negative predictive value of 80%. In summary, the available evidence is currently insufficient to determine the role of this variant in disease. Therefore, it has been classified as a Variant of Uncertain Significance.

Ambry Genetics
Classification: Uncertain significance for Hereditary cancer-predisposing syndrome. Last evaluated: 2025-07-07. Review status: criteria provided, single submitter. Criteria: Ambry Variant Classification Scheme 2023. Collection method: clinical testing. Allele origin: germline.
Comment: The p.R13L variant (also known as c.38G>T), located in coding exon 1 of the SMARCA4 gene, results from a G to T substitution at nucleotide position 38. The arginine at codon 13 is replaced by leucine, an amino acid with dissimilar properties. This amino acid position is well conserved in available vertebrate species. In addition, the in silico prediction for this alteration is inconclusive. Based on the available evidence, the clinical significance of this variant remains unclear.

Baylor Genetics
Classification: Uncertain significance for Rhabdoid tumor predisposition syndrome 2. Last evaluated: 2023-08-09. Review status: criteria provided, single submitter. Criteria: ACMG Guidelines, 2015. Collection method: clinical testing. Allele origin: unknown.

NM_003072.5(SMARCA4):c.38G>T (p.Arg13Leu)

Gene: SMARCA4 (SWI/SNF related BAF chromatin remodeling complex subunit ATPase 4; plus strand). Cytogenetic location: 19p13.2.
Variant type: single nucleotide variant.
Coding change: c.38G>T on transcript NM_003072.5 (MANE Select); coding-DNA position 38, G replaced by T.
Protein change: p.Arg13Leu; replaces arginine 13 with leucine.
Molecular consequence: missense variant. On other transcripts: non-coding transcript variant (1).
Genome position (GRCh38, 1-based): chr19:10,984,189, G>T. VCF-style: chr19-10984189-G-T. GRCh37 (hg19) VCF-style: chr19-11094865-G-T.
Other names: c.38G>T, p.Arg13Leu (NM_001128844.3, NM_001128845.2, NM_001128846.2 and 6 more transcripts); c.38G>T (NM_001128849.1); short protein forms R13L.
Identifiers: ClinVar variation 1942941 (VCV001942941.10), dbSNP rs143950084, ClinGen allele CA404053947.